The following is an entry in ClinVar:

ClinVar aggregate classification (germline): Likely pathogenic (1 of 4 stars; one submission).

Conditions:
Tooth agenesis. Also called: Reduced number of teeth; Decreased number of teeth; Decreased tooth count; Failure of development of some teeth; Fewer teeth than normal; Missing some teeth. Identifiers: MedGen C4024202, HP:0009804, MONDO:0005486.

Allele frequency attached by ClinVar (database versions not stated): gnomAD exomes below 0.00001.
gnomAD v4.1: 1 of 1,614,160 alleles (0.000062%); highest among the groups gnomAD compares: East Asian, 0.0022%; no homozygotes.

Submission:

Center of Excellence in Precision Medicine and Digital Health (CEPMDH), Faculty of Dentistry, Chulalongkorn University
Classification: Likely pathogenic for Tooth agenesis. Review status: criteria provided, single submitter. Criteria: ACMG Guidelines, 2015. Collection method: research. Allele origin: germline. Inheritance: Autosomal dominant inheritance. Affected: yes. Observed: 1 variant allele, 1 heterozygote.
Comment: The missense mutation in EDARADD gene was previously reported in a patient with isolated tooth agenesis (Bergendal 2011, Barbato 2018). The p.Asn138Ile is located in the death domain of EDARADD interacting with EDAR. The variant is classified as likely pathogenic using ACMG guideline with the following evidence; PM1, PM2, PP2 and PP3.

NM_145861.4(EDARADD):c.413A>T (p.Asn138Ile)

Gene: EDARADD (EDAR associated via death domain; plus strand). Cytogenetic location: 1q43.
Variant type: single nucleotide variant.
Coding change: c.413A>T on transcript NM_145861.4 (MANE Select); coding-DNA position 413, A replaced by T.
Protein change: p.Asn138Ile; replaces asparagine 138 with isoleucine.
Molecular consequence: missense variant.
Genome position (GRCh38, 1-based): chr1:236,482,414, A>T. VCF-style: chr1-236482414-A-T. GRCh37 (hg19) VCF-style: chr1-236645714-A-T.
Other names: c.347A>T, p.Asn116Ile (NM_001422628.1); c.383A>T, p.Asn128Ile (NM_080738.5); short protein forms N128I, N138I, N116I.
Identifiers: ClinVar variation 929423 (VCV000929423.2), dbSNP rs1030214435, ClinGen allele CA39702037.